The following is an entry in ClinVar:

ClinVar aggregate classification (germline): Likely benign (1 of 4 stars; one submission).

Submission:

CeGaT Center for Human Genetics Tuebingen
Classification: Likely benign. Last evaluated: 2025-04-01. Review status: criteria provided, single submitter. Criteria: CeGaT Center For Human Genetics Tuebingen Variant Classification Criteria Version 2. Collection method: clinical testing. Allele origin: germline. Affected: yes. Observed: 1 variant allele.
Comment: DST: PM2:Supporting, BP4, BP7

NM_001374736.1(DST):c.5095T>C (p.Leu1699=)

Gene: DST (dystonin; minus strand). Cytogenetic location: 6p12.1.
Variant type: single nucleotide variant.
Coding change: c.5095T>C on transcript NM_001374736.1 (MANE Select); coding-DNA position 5095, T replaced by C.
Protein change: p.Leu1699=; no amino-acid change (leucine 1699 retained).
Molecular consequence: synonymous variant.
Genome position (GRCh38, 1-based): chr6:56,611,560, A>G on the plus strand (T>C on the coding strand, the complement: DST is on the minus strand). VCF-style: chr6-56611560-A-G. GRCh37 (hg19) VCF-style: chr6-56476358-A-G.
Other names: c.4996T>C, p.Leu1666= (NM_001144769.5); c.4582T>C, p.Leu1528= (NM_001144770.2); c.5095T>C, p.Leu1699= (NM_001374722.1); c.4462T>C, p.Leu1488= (NM_001374729.1, NM_001374730.1, NM_001386100.1 and 1 more transcripts); c.5122T>C, p.Leu1708= (NM_001374734.1); c.3484T>C, p.Leu1162= (NM_015548.5).
Identifiers: ClinVar variation 3898651 (VCV003898651.7).